The following is an entry in ClinVar:

NM_001142864.4(PIEZO1):c.768C>G (p.Gly256=)

Genes: HSALR1 (HSP90AB1 associated lncRNA 1; plus strand), PIEZO1 (piezo type mechanosensitive ion channel component 1 (Er blood group); minus strand). Cytogenetic location: 16q24.3.
Variant type: single nucleotide variant.
Coding change: c.768C>G on transcript NM_001142864.4 (MANE Select); coding-DNA position 768, C replaced by G.
Protein change: p.Gly256=; no amino-acid change (glycine 256 retained).
Molecular consequence: synonymous variant. On other transcripts: non-coding transcript variant (1).
Genome position (GRCh38, 1-based): chr16:88,738,307, G>C on the plus strand (C>G on the coding strand, the complement: PIEZO1 is on the minus strand). VCF-style: chr16-88738307-G-C. GRCh37 (hg19) VCF-style: chr16-88804715-G-C.
Identifiers: ClinVar variation 5039335 (VCV005039335.1).

ClinVar aggregate classification (germline): Likely benign (1 of 4 stars; one submission).

gnomAD v4.1: 21 of 1,535,872 alleles (0.0014%); highest among the groups gnomAD compares: Middle Eastern, 0.033%; no homozygotes.

Submission:

CeGaT Center for Human Genetics Tuebingen
Classification: Likely benign. Last evaluated: 2026-06-01. Review status: criteria provided, single submitter. Criteria: CeGaT Center For Human Genetics Tuebingen Variant Classification Criteria Version 2. Collection method: clinical testing. Allele origin: germline. Affected: yes. Observed: 1 variant allele.
Comment: PIEZO1: BP4, BP7